The following is an entry in ClinVar:

ClinVar aggregate classification (germline): Likely benign (0 of 4 stars; one submission).

Conditions:
PLEKHA7-related disorder. Also called: PLEKHA7-related condition.

Allele frequency attached by ClinVar (database versions not stated): gnomAD exomes 0.00007; ExAC 0.00016; 1000 Genomes Project 30x 0.00031; 1000 Genomes Project 0.00040; gnomAD 0.00064; TOPMed 0.00079; ESP Exome Variant Server 0.00085.
gnomAD v4.1: 203 of 1,613,812 alleles (0.013%); highest among the groups gnomAD compares: African/African-American, 0.25%; no homozygotes.

Submission:

PreventionGenetics, part of Exact Sciences
Classification: Likely benign for PLEKHA7-related condition. Last evaluated: 2023-04-26. Review status: no assertion criteria provided. Collection method: clinical testing. Allele origin: germline.
Comment: This variant is classified as likely benign based on ACMG/AMP sequence variant interpretation guidelines (Richards et al. 2015 PMID: 25741868, with internal and published modifications).

NM_001329630.2(PLEKHA7):c.513G>T (p.Leu171=)

Gene: PLEKHA7 (pleckstrin homology domain containing A7; minus strand). Cytogenetic location: 11p15.2.
Variant type: single nucleotide variant.
Coding change: c.513G>T on transcript NM_001329630.2 (MANE Select); coding-DNA position 513, G replaced by T.
Protein change: p.Leu171=; no amino-acid change (leucine 171 retained).
Molecular consequence: synonymous variant.
Genome position (GRCh38, 1-based): chr11:16,854,898, C>A on the plus strand (G>T on the coding strand, the complement: PLEKHA7 is on the minus strand). VCF-style: chr11-16854898-C-A. GRCh37 (hg19) VCF-style: chr11-16876445-C-A.
Other names: c.513G>T, p.Leu171= (NM_001329631.2, NM_001410960.1, NM_175058.5).
Identifiers: ClinVar variation 3052054 (VCV003052054.2), dbSNP rs146315780, ClinGen allele CA5899755.